The following is an entry in ClinVar:

ClinVar aggregate classification (germline): Conflicting classifications of pathogenicity. Review status: criteria provided, conflicting classifications (1 of 4 stars). 3 submissions from 3 submitters: Uncertain significance (2); Likely benign (1). Last evaluated 2025-05-12.

Conditions:
Cardiovascular phenotype. Identifiers: MedGen CN230736.

Allele frequency attached by ClinVar (database versions not stated): ExAC 0.00005; TOPMed 0.00011; gnomAD exomes 0.00001; gnomAD 0.00013.
gnomAD v4.1: 26 of 1,549,350 alleles (0.0017%); highest among the groups gnomAD compares: African/African-American, 0.034%; no homozygotes.

Submissions (3):

Mayo Clinic Laboratories, Mayo Clinic
Classification: Uncertain significance. Last evaluated: 2025-05-12. Review status: criteria provided, single submitter. Criteria: ACMG Guidelines, 2015. Collection method: clinical testing. Allele origin: germline. Observed: 1 variant allele.
Comment: BP4_moderate

Ambry Genetics
Classification: Likely benign for Cardiovascular phenotype. Last evaluated: 2022-04-12. Review status: criteria provided, single submitter. Criteria: Ambry Variant Classification Scheme 2023. Collection method: clinical testing. Allele origin: germline.

Labcorp Genetics (formerly Invitae), Labcorp
Classification: Uncertain significance. Last evaluated: 2022-01-16. Review status: criteria provided, single submitter. Criteria: Invitae Variant Classification Sherloc (09022015). Collection method: clinical testing. Allele origin: germline.
Comment: This sequence change replaces serine, which is neutral and polar, with threonine, which is neutral and polar, at codon 2637 of the ZNF469 protein (p.Ser2637Thr). This variant is present in population databases (rs372973682, gnomAD 0.06%). This variant has not been reported in the literature in individuals affected with ZNF469-related conditions. Algorithms developed to predict the effect of missense changes on protein structure and function are either unavailable or do not agree on the potential impact of this missense change (SIFT: "Tolerated"; PolyPhen-2: "Possibly Damaging"; Align-GVGD: "Class C0"). In summary, the available evidence is currently insufficient to determine the role of this variant in disease. Therefore, it has been classified as a Variant of Uncertain Significance.

NM_001367624.2(ZNF469):c.7993T>A (p.Ser2665Thr)

Gene: ZNF469 (zinc finger protein 469; plus strand). Cytogenetic location: 16q24.2.
Variant type: single nucleotide variant.
Coding change: c.7993T>A on transcript NM_001367624.2 (MANE Select); coding-DNA position 7993, T replaced by A.
Protein change: p.Ser2665Thr; replaces serine 2665 with threonine.
Molecular consequence: missense variant.
Genome position (GRCh38, 1-based): chr16:88,435,463, T>A. VCF-style: chr16-88435463-T-A. GRCh37 (hg19) VCF-style: chr16-88501871-T-A.
Other names: NM_001127464.1:c.7909T>A; p.Ser2665Thr; short protein forms S2665T.
Identifiers: ClinVar variation 1761163 (VCV001761163.5), dbSNP rs372973682, ClinGen allele CA8225300.